The following is an entry in ClinVar:

ClinVar aggregate classification (germline): Pathogenic. Review status: criteria provided, multiple submitters, no conflicts (2 of 4 stars). 9 submissions from 9 submitters: Pathogenic (8). 1 of the submissions does not count toward it. Last evaluated 2025-07-21.

Conditions:
Autosomal recessive nonsyndromic hearing loss 4 (DFNB4). Also called: FOXI1-Related Pendred Syndrome; KCNJ10-Related Pendred Syndrome; Deafness, autosomal recessive 4, with enlarged vestibular aqueduct; Deafness, autosomal recessive 4; NEUROSENSORY NONSYNDROMIC RECESSIVE DEAFNESS 4; Nonsyndromic enlarged vestibular aqueduct (NSEVA). Identifiers: Orphanet 90636, MedGen C3538946, MONDO:0010933, OMIM 600791.
Pendred syndrome (PDS). Also called: Pendred's syndrome; THYROID DYSHORMONOGENESIS 2B; THYROID HORMONOGENESIS, GENETIC DEFECT IN, 2B; DEAFNESS WITH GOITER; GOITER-DEAFNESS SYNDROME; HYPOTHYROIDISM, CONGENITAL, DUE TO DYSHORMONOGENESIS, 2B. Identifiers: Orphanet 705, MedGen C0271829, MONDO:0010134, OMIM 274600.

Submissions (9):

Natera, Inc.
Classification: Pathogenic for Pendred syndrome. Last evaluated: 2025-07-21. Review status: criteria provided, single submitter. Criteria: Natera Variant Classification Schema (03/2026). Collection method: clinical testing. Allele origin: germline.
Comment: The c.1692dupA variant in SLC26A4 is a frameshift variant predicted to shift the reading frame beginning at codon 565 and leads to a stop codon 9 codons downstream. This variant is expected to result in nonsense mediated decay, truncation, or a dysfunctional protein product. This variant is rare in the general population with a frequency below the threshold expected for the associated phenotype(s). This variant has been observed in one or more individuals affected with the associated recessive disease, as either homozygous or compound heterozygous with a second variant (PMID: 32447495). Given the available evidence, this variant is classified as Pathogenic.

Baylor Genetics
Classification: Pathogenic for Autosomal recessive nonsyndromic hearing loss 4. Last evaluated: 2024-02-22. Review status: criteria provided, single submitter. Criteria: ACMG Guidelines, 2015. Collection method: clinical testing. Allele origin: unknown.

Labcorp Genetics (formerly Invitae), Labcorp
Classification: Pathogenic. Last evaluated: 2024-02-02. Review status: criteria provided, single submitter. Criteria: Invitae Variant Classification Sherloc (09022015). Collection method: clinical testing. Allele origin: germline.
Comment: This sequence change creates a premature translational stop signal (p.Cys565Metfs*9) in the SLC26A4 gene. It is expected to result in an absent or disrupted protein product. Loss-of-function variants in SLC26A4 are known to be pathogenic (PMID: 16283880, 25394566, 26252218, 26445815). This variant is present in population databases (rs746427774, gnomAD 0.006%). This premature translational stop signal has been observed in individual(s) with hearing loss (PMID: 18167283, 19287372, 20842945, 22412181). ClinVar contains an entry for this variant (Variation ID: 627475). For these reasons, this variant has been classified as Pathogenic.

Fulgent Genetics
Classification: Pathogenic for Pendred syndrome; Autosomal recessive nonsyndromic hearing loss 4. Last evaluated: 2023-12-29. Review status: criteria provided, single submitter. Criteria: ACMG Guidelines, 2015. Collection method: clinical testing. Allele origin: germline.

Women's Health and Genetics/Laboratory Corporation of America, LabCorp
Classification: Pathogenic for Pendred syndrome. Last evaluated: 2022-05-26. Review status: criteria provided, single submitter. Criteria: LabCorp Variant Classification Summary - May 2015. Collection method: clinical testing. Allele origin: germline.
Comment: Variant summary: SLC26A4 c.1692dupA (p.Cys565MetfsX9) results in a premature termination codon, predicted to cause a truncation of the encoded protein or absence of the protein due to nonsense mediated decay, which are commonly known mechanisms for disease. The variant allele was found at a frequency of 4e-06 in 250614 control chromosomes. c.1692dupA has been reported in the literature in the compound heterozygous state together with other Pendred syndrome-associated SLC26A4 pathogenic variants (including c.1229C>T and c.919-2A>G) in multiple individuals affected with hearing loss (example Sloan-Heggen_2016, Xiang_2019, Liu_2020, Wang_2021). These data indicate that the variant is likely to be associated with disease. To our knowledge, no experimental evidence demonstrating an impact on protein function has been reported. Four clinical diagnostic laboratories have submitted clinical-significance assessments for this variant to ClinVar after 2014 without evidence for independent evaluation. All laboratories classified the variant as pathogenic. Based on the evidence outlined above, the variant was classified as pathogenic.

Genome-Nilou Lab
Classification: Pathogenic for Pendred syndrome. Last evaluated: 2021-09-05. Review status: criteria provided, single submitter. Criteria: ACMG Guidelines, 2015. Collection method: clinical testing. Allele origin: germline. Affected: no.

Baylor-Hopkins Center for Mendelian Genomics, Johns Hopkins University School of Medicine
Classification: Pathogenic for Autosomal recessive nonsyndromic hearing loss 4. Review status: criteria provided, single submitter. Criteria: ACMG Guidelines, 2015. Collection method: research. Allele origin: unknown. Affected: yes. Observed: 1 variant allele, 1 homozygote.

Juno Genomics, Hangzhou Juno Genomics, Inc
Classification: Pathogenic for Autosomal recessive nonsyndromic hearing loss 4; Pendred syndrome. Review status: criteria provided, single submitter. Criteria: ACMG Guidelines, 2015. Collection method: clinical testing. Allele origin: germline.
Comment: Null variant in a gene where loss of function (LOF) is a known mechanism of disease.;For recessive disorders, detected in trans with a pathogenic variant.

Genetic Testing Center for Deafness, Department of Otolaryngology Head & Neck Surgery, Institute of Otolaryngology, Chinese PLA General Hospital
Classification: Pathogenic for Autosomal recessive nonsyndromic hearing loss 4. Last evaluated: 2019-02-26. Review status: no assertion criteria provided. Collection method: case-control. Allele origin: inherited. Affected: yes. Observed: 1 variant allele. Not counted in ClinVar's aggregate classification.

Literature cited by the submitters: PubMed 32447495 (cited by Natera, Inc.); PubMed 16283880 (cited by Labcorp Genetics (formerly Invitae), Labcorp); PubMed 25394566 (cited by Labcorp Genetics (formerly Invitae), Labcorp); PubMed 26252218 (cited by Labcorp Genetics (formerly Invitae), Labcorp); PubMed 26445815 (cited by Labcorp Genetics (formerly Invitae), Labcorp); PubMed 18167283 (cited by Labcorp Genetics (formerly Invitae), Labcorp); PubMed 19287372 (cited by Labcorp Genetics (formerly Invitae), Labcorp); PubMed 20842945 (cited by Labcorp Genetics (formerly Invitae), Labcorp); PubMed 22412181 (cited by Labcorp Genetics (formerly Invitae), Labcorp); PubMed 26969326 (cited by Women's Health and Genetics/Laboratory Corporation of America, LabCorp); PubMed 31035178 (cited by Women's Health and Genetics/Laboratory Corporation of America, LabCorp); PubMed 32645618 (cited by Women's Health and Genetics/Laboratory Corporation of America, LabCorp); PubMed 33597575 (cited by Women's Health and Genetics/Laboratory Corporation of America, LabCorp).

NM_000441.2(SLC26A4):c.1692dup (p.Cys565fs)

Gene: SLC26A4 (solute carrier family 26 member 4; plus strand). Cytogenetic location: 7q22.3.
Variant type: Duplication.
Coding change: c.1692dup on transcript NM_000441.2 (MANE Select); coding-DNA position 1692, one base duplicated (A; older notation c.1692dupA).
Protein change: p.Cys565fs; shifts the reading frame from cysteine 565.
Molecular consequence: frameshift variant.
Genome position (GRCh38, 1-based): chr7:107,700,160, A duplicated; the last of 6 consecutive A bases (chr7:107,700,155-107,700,160); duplicating any one gives the same sequence. VCF-style (leftmost placement, unchanged base first): chr7-107700154-T-TA. GRCh37 (hg19) VCF-style: chr7-107340599-T-TA.
Other names: c.1692dupA (NM_000441.1); short protein forms C565fs.
Identifiers: ClinVar variation 627475 (VCV000627475.24), dbSNP rs746427774, ClinGen allele CA4432909.